The following is an entry in ClinVar:

NM_005570.4(LMAN1):c.*1921T>C

Gene: LMAN1 (lectin, mannose binding 1; minus strand). Cytogenetic location: 18q21.32.
Variant type: single nucleotide variant.
Coding change: c.*1921T>C on transcript NM_005570.4 (MANE Select); 1921 bases downstream of the stop codon, T replaced by C.
Molecular consequence: 3 prime UTR variant.
Genome position (GRCh38, 1-based): chr18:59,329,172, A>G on the plus strand (T>C on the coding strand, the complement: LMAN1 is on the minus strand). VCF-style: chr18-59329172-A-G. GRCh37 (hg19) VCF-style: chr18-56996404-A-G.
Identifiers: ClinVar variation 889246 (VCV000889246.4), dbSNP rs74735102, ClinGen allele CA300973169.

ClinVar aggregate classification (germline): Likely benign (1 of 4 stars; one submission).

Conditions:
Factor V and factor VIII, combined deficiency of, type 1. Also called: FAMILIAL MULTIPLE COAGULATION FACTOR DEFICIENCY I; MULTIPLE COAGULATION FACTOR DEFICIENCY I; FMFD I; Combined factor V and VIII deficiency. Identifiers: Orphanet 35909, MedGen C4551981, MONDO:0009206, OMIM 227300.

Allele frequency attached by ClinVar (database versions not stated): 1000 Genomes Project 0.00280; gnomAD 0.00306 and 0.00327; 1000 Genomes Project 30x 0.00328; TOPMed 0.00339.

Submission:

Illumina Laboratory Services, Illumina
Classification: Likely benign for Factor V and factor VIII, combined deficiency of, type 1. Last evaluated: 2018-01-13. Review status: criteria provided, single submitter. Criteria: ICSL Variant Classification Criteria 13 December 2019. Collection method: clinical testing. Allele origin: germline.
Comment: This variant was observed in the ICSL laboratory as part of a predisposition screen in an ostensibly healthy population. It had not been previously curated by ICSL or reported in the Human Gene Mutation Database (HGMD: prior to June 1st, 2018), and was therefore a candidate for classification through an automated scoring system. Utilizing variant allele frequency, disease prevalence and penetrance estimates, and inheritance mode, an automated score was calculated to assess if this variant is too frequent to cause the disease. Based on the score and internal cut-off values, a variant classified as likely benign is not then subjected to further curation. The score for this variant resulted in a classification of likely benign for this disease.